The following is an entry in ClinVar:

NM_000169.3(GLA):c.946_966del (p.Val316_Asp322del)

Genes: GLA (galactosidase alpha; minus strand), RPL36A-HNRNPH2 (RPL36A-HNRNPH2 readthrough; plus strand). Cytogenetic location: Xq22.1.
Variant type: Deletion.
Coding change: c.946_966del on transcript NM_000169.3 (MANE Select); coding-DNA positions 946 to 966, 21 bases deleted (GTAATTGCCATCAATCAGGAC).
Protein change: p.Val316_Asp322del.
Molecular consequence: inframe deletion. On other transcripts: non-coding transcript variant (3), intron variant (2).
Genome position (GRCh38, 1-based): chrX:101,398,403-101,398,423, GTCCTGATTGATGGCAATTAC deleted on the plus strand (GTAATTGCCATCAATCAGGAC on the coding strand, the reverse complement: GLA is on the minus strand); deleting any 21 consecutive bases within chrX:101,398,403-101,398,428 gives the same sequence; the c. name uses the placement nearest the transcript's 3' end. VCF-style (leftmost placement, unchanged base first): chrX-101398402-GGTCCTGATTGATGGCAATTAC-G. GRCh37 (hg19) VCF-style: chrX-100653390-GGTCCTGATTGATGGCAATTAC-G.
Other names: c.1069_1089del, p.Val357_Asp363del (NM_001406747.1); c.946_966del, p.Val316_Asp322del (NM_001406748.1); c.300+2951_300+2971del (NM_001199973.2); c.177+6586_177+6606del (NM_001199974.2).
Identifiers: ClinVar variation 4087142 (VCV004087142.2), dbSNP rs869312451.

ClinVar aggregate classification (germline): Likely pathogenic (1 of 4 stars; one submission).

Conditions:
Fabry disease. Also called: ALPHA-GALACTOSIDASE A DEFICIENCY; ANDERSON-FABRY DISEASE; CERAMIDE TRIHEXOSIDASE DEFICIENCY; GLA DEFICIENCY; HEREDITARY DYSTOPIC LIPIDOSIS; Angiokeratoma corporis diffusum. Identifiers: Orphanet 324, MedGen C0002986, MONDO:0010526, OMIM 301500, HP:0001071. Disease mechanism: Fabry disease is due to inactivating mutations in the X-linked GLA gene resulting in deficiency of the enzyme Alpha Galactosidase-A., loss of function.

Submission:

Genomenon, Inc
Classification: Likely pathogenic for Fabry disease. Last evaluated: 2026-09-08. Review status: criteria provided, single submitter. Criteria: Genomenon Sequence Variant Interpretation Standards - Updated. Collection method: curation. Allele origin: germline. Affected: yes.
Comment: GLA p.Val316_Asp322del (c.946_966del) is an in-frame deletion that results in the loss of multiple amino acids, from Valine at codon 316 to Aspartic acid at codon 322. This variant has been observed in at least one proband with clinical features consistent with Fabry disease (PMID:26340726;8931708;22551898). Functional or patient cell studies have been reported (PMID:8931708). It is absent or not present at a significant frequency in gnomAD. In conclusion, we classify GLA p.Val316_Asp322del (c.946_966del) as a likely pathogenic variant.

Literature cited by the submitters: PubMed 26340726; PubMed 8931708; PubMed 22551898.